The following is an entry in ClinVar:

ClinVar aggregate classification (germline): Uncertain significance (1 of 4 stars; one submission).

Submission:

GeneDx
Classification: Uncertain significance. Last evaluated: 2022-12-13. Review status: criteria provided, single submitter. Criteria: GeneDx Variant Classification Process June 2021. Collection method: clinical testing. Allele origin: germline. Affected: yes.
Comment: Not observed at significant frequency in large population cohorts (gnomAD); In silico analysis supports that this missense variant does not alter protein structure/function; Has not been previously published as pathogenic or benign to our knowledge

NM_001256012.3(MYH10):c.1759A>G (p.Ile587Val)

Gene: MYH10 (myosin heavy chain 10; minus strand). Cytogenetic location: 17p13.1.
Variant type: single nucleotide variant.
Coding change: c.1759A>G on transcript NM_001256012.3 (MANE Select); coding-DNA position 1759, A replaced by G.
Protein change: p.Ile587Val; replaces isoleucine 587 with valine.
Molecular consequence: missense variant.
Genome position (GRCh38, 1-based): chr17:8,535,778, T>C on the plus strand (A>G on the coding strand, the complement: MYH10 is on the minus strand). VCF-style: chr17-8535778-T-C. GRCh37 (hg19) VCF-style: chr17-8439096-T-C.
Other names: c.1759A>G, p.Ile587Val (NM_001375266.1); c.1729A>G, p.Ile577Val (NM_005964.5); c.1756A>G, p.Ile586Val (NM_001256095.2); short protein forms I577V, I586V, I587V.
Identifiers: ClinVar variation 2505937 (VCV002505937.1), dbSNP rs2544437038, ClinGen allele CA398043301.
Genomic context (GRCh38, chr17:8,535,778, plus strand): 5'-CAGCCATTTTAATCCAGTTATTCAACATAAGAGCTCTTACCTTCCCTGCATAATGTATAA[T>C]GCAAAAATCAGCTTTGTCTTTTAATTGTCGAGGTTTCTGAAACTTGGAGTGGGAACCTTG-3'
Protein context (NP_001242941.1, residues 577-597): RQLKDKADFC[Ile587Val]IHYAGKVDYK